The following is an entry in ClinVar:

NM_016156.6(MTMR2):c.698G>A (p.Arg233Gln)

Gene: MTMR2 (myotubularin related protein 2; minus strand). Cytogenetic location: 11q21.
Variant type: single nucleotide variant.
Coding change: c.698G>A on transcript NM_016156.6 (MANE Select); coding-DNA position 698, G replaced by A.
Protein change: p.Arg233Gln; replaces arginine 233 with glutamine.
Molecular consequence: missense variant.
Genome position (GRCh38, 1-based): chr11:95,850,706, C>T on the plus strand (G>A on the coding strand, the complement: MTMR2 is on the minus strand). VCF-style: chr11-95850706-C-T. GRCh37 (hg19) VCF-style: chr11-95583870-C-T.
Other names: c.482G>A, p.Arg161Gln (NM_001243571.2, NM_201278.3, NM_201281.3); c.698G>A (NM_016156.5); short protein forms R161Q, R233Q.
Identifiers: ClinVar variation 1058498 (VCV001058498.10), dbSNP rs758629389, ClinGen allele CA6240239.

ClinVar aggregate classification (germline): Uncertain significance. Review status: criteria provided, multiple submitters, no conflicts (2 of 4 stars). 2 submissions from 2 submitters: Uncertain significance (2). Last evaluated 2021-09-16.

Conditions:
Inborn genetic diseases. Identifiers: MedGen C0950123, MeSH D030342.
Charcot-Marie-Tooth disease type 4. Also called: Charcot-Marie-Tooth, Type 4; Charcot-Marie-Tooth disease, type IV. Identifiers: Orphanet 64749, MedGen C4082197, MONDO:0018995.

Allele frequency attached by ClinVar (database versions not stated): TOPMed below 0.00001.
gnomAD v4.1: 9 of 1,613,968 alleles (0.00056%); highest among the groups gnomAD compares: Admixed American, 0.0033%; no homozygotes.

Submissions (2):

Ambry Genetics
Classification: Uncertain significance for Inborn genetic diseases. Last evaluated: 2021-09-16. Review status: criteria provided, single submitter. Criteria: Ambry Variant Classification Scheme 2023. Collection method: clinical testing. Allele origin: germline.

Labcorp Genetics (formerly Invitae), Labcorp
Classification: Uncertain significance for Charcot-Marie-Tooth disease type 4. Last evaluated: 2020-08-14. Review status: criteria provided, single submitter. Criteria: Invitae Variant Classification Sherloc (09022015). Collection method: clinical testing. Allele origin: germline.
Comment: Algorithms developed to predict the effect of missense changes on protein structure and function (SIFT, PolyPhen-2, Align-GVGD) all suggest that this variant is likely to be tolerated, but these predictions have not been confirmed by published functional studies and their clinical significance is uncertain. This sequence change replaces arginine with glutamine at codon 233 of the MTMR2 protein (p.Arg233Gln). The arginine residue is moderately conserved and there is a small physicochemical difference between arginine and glutamine. This variant is present in population databases (rs758629389, ExAC 0.001%). This variant has not been reported in the literature in individuals with MTMR2-related conditions. In summary, the available evidence is currently insufficient to determine the role of this variant in disease. Therefore, it has been classified as a Variant of Uncertain Significance.